The following is an entry in ClinVar:

NM_001037333.3(CYFIP2):c.117+3A>G

Gene: CYFIP2 (cytoplasmic FMR1 interacting protein 2; plus strand). Cytogenetic location: 5q33.3.
Variant type: single nucleotide variant.
Coding change: c.117+3A>G on transcript NM_001037333.3 (MANE Select); 3 bases into the intron after coding-DNA position 117, A replaced by G.
Molecular consequence: intron variant.
Genome position (GRCh38, 1-based): chr5:157,285,481, A>G. VCF-style: chr5-157285481-A-G. GRCh37 (hg19) VCF-style: chr5-156712491-A-G.
Other names: c.117+3A>G (NM_001291722.2, NM_001291721.2, NM_014376.4).
Identifiers: ClinVar variation 3665236 (VCV003665236.2).

ClinVar aggregate classification (germline): Uncertain significance (1 of 4 stars; one submission).

gnomAD v4.1: 1 of 1,561,642 alleles (0.000064%); highest among the groups gnomAD compares: Non-Finnish European, 0.000087%; no homozygotes.

Submission:

Labcorp Genetics (formerly Invitae), Labcorp
Classification: Uncertain significance. Last evaluated: 2024-05-26. Review status: criteria provided, single submitter. Criteria: Invitae Variant Classification Sherloc (09022015). Collection method: clinical testing. Allele origin: germline.
Comment: This sequence change falls in intron 2 of the CYFIP2 gene. It does not directly change the encoded amino acid sequence of the CYFIP2 protein. It affects a nucleotide within the consensus splice site. This variant is not present in population databases (gnomAD no frequency). This variant has not been reported in the literature in individuals affected with CYFIP2-related conditions. Variants that disrupt the consensus splice site are a relatively common cause of aberrant splicing (PMID: 17576681, 9536098). Algorithms developed to predict the effect of sequence changes on RNA splicing suggest that this variant may create or strengthen a splice site. In summary, the available evidence is currently insufficient to determine the role of this variant in disease. Therefore, it has been classified as a Variant of Uncertain Significance.

Literature cited by the submitters: PubMed 17576681; PubMed 9536098.